The following is an entry in ClinVar:

ClinVar aggregate classification (germline): Uncertain significance (1 of 4 stars; one submission).

Submission:

Mayo Clinic Laboratories, Mayo Clinic
Classification: Uncertain significance. Last evaluated: 2025-04-08. Review status: criteria provided, single submitter. Criteria: ACMG Guidelines, 2015. Collection method: clinical testing. Allele origin: germline. Observed: 1 variant allele.
Comment: BP4_moderate, PM2_supporting

Literature cited by the submitters: PubMed 24819173.

NM_005223.4(DNASE1):c.8G>A (p.Gly3Asp)

Gene: DNASE1 (deoxyribonuclease 1; plus strand). Cytogenetic location: 16p13.3.
Variant type: single nucleotide variant.
Coding change: c.8G>A on transcript NM_005223.4 (MANE Select); coding-DNA position 8, G replaced by A.
Protein change: p.Gly3Asp; replaces glycine 3 with aspartic acid.
Molecular consequence: missense variant. On other transcripts: 5 prime UTR variant (1), non-coding transcript variant (2).
Genome position (GRCh38, 1-based): chr16:3,655,381, G>A. VCF-style: chr16-3655381-G-A. GRCh37 (hg19) VCF-style: chr16-3705382-G-A.
Other names: p.Gly3Asp; c.8G>A, p.Gly3Asp (NM_001351825.2, NM_001387135.1, NM_001387139.1 and 1 more transcripts); c.-111G>A (NM_001387141.1); short protein forms G3D.
Identifiers: ClinVar variation 4542007 (VCV004542007.1).
Genomic context (GRCh38, chr16:3,655,381, plus strand): 5'-GCAGGGATGACGTCTCACTTCTGTTATGTCTCTGTGCCCTGTGCTCTCCCAGGATGAGGG[G>A]CATGAAGCTGCTGGGGGCGCTGCTGGCACTGGCGGCCCTACTGCAGGGGGCCGTGTCCCT-3'
Protein context (NP_005214.2, residues 1-13): MR[Gly3Asp]MKLLGALLAL